The following is an entry in ClinVar:

ClinVar aggregate classification (germline): Uncertain significance (1 of 4 stars; one submission).

Conditions:
Hereditary spastic paraplegia 30. Identifiers: Orphanet 101010, MedGen C5235139, MONDO:0012476.
Neuropathy, hereditary sensory, type 2C. Also called: Hereditary sensory and autonomic neuropathy type IIC; KIF1A-Related HSAN2 (HSAN2C). Identifiers: Orphanet 970, MedGen C3280168, MONDO:0013634, OMIM 614213.
Intellectual disability, autosomal dominant 9 (NESCAVS). Also called: NESCAV SYNDROME; KIF1A-Related Neurodevelopmental Disorder. Identifiers: Orphanet 662367, MedGen C5393830, MONDO:0013656, OMIM 614255.

Allele frequency attached by ClinVar (database versions not stated): gnomAD exomes below 0.00001.
gnomAD v4.1: 2 of 1,611,676 alleles (0.00012%); highest among the groups gnomAD compares: African/African-American, 0.0013%; no homozygotes.

Submission:

Labcorp Genetics (formerly Invitae), Labcorp
Classification: Uncertain significance for Hereditary spastic paraplegia 30; Neuropathy, hereditary sensory, type 2C; Intellectual disability, autosomal dominant 9. Last evaluated: 2022-06-20. Review status: criteria provided, single submitter. Criteria: Invitae Variant Classification Sherloc (09022015). Collection method: clinical testing. Allele origin: germline.
Comment: This variant is not present in population databases (gnomAD no frequency). This sequence change replaces arginine, which is basic and polar, with glutamine, which is neutral and polar, at codon 526 of the KIF1A protein (p.Arg526Gln). In summary, the available evidence is currently insufficient to determine the role of this variant in disease. Therefore, it has been classified as a Variant of Uncertain Significance. Algorithms developed to predict the effect of missense changes on protein structure and function (SIFT, PolyPhen-2, Align-GVGD) all suggest that this variant is likely to be tolerated. This variant has not been reported in the literature in individuals affected with KIF1A-related conditions.

NM_001244008.2(KIF1A):c.1604G>A (p.Arg535Gln)

Gene: KIF1A (kinesin family member 1A; minus strand). Cytogenetic location: 2q37.3.
Variant type: single nucleotide variant.
Coding change: c.1604G>A on transcript NM_001244008.2 (MANE Select); coding-DNA position 1604, G replaced by A.
Protein change: p.Arg535Gln; replaces arginine 535 with glutamine.
Molecular consequence: missense variant.
Genome position (GRCh38, 1-based): chr2:240,766,995, C>T on the plus strand (G>A on the coding strand, the complement: KIF1A is on the minus strand). VCF-style: chr2-240766995-C-T. GRCh37 (hg19) VCF-style: chr2-241706412-C-T.
Other names: c.1604G>A, p.Arg535Gln (NM_001320705.2, NM_001330289.2, NM_001379638.1); c.1679G>A, p.Arg560Gln (NM_001330290.2, NM_001379631.1, NM_001379634.1 and 2 more transcripts); c.1577G>A, p.Arg526Gln (NM_001379632.1, NM_001379633.1, NM_001379636.1 and 10 more transcripts); c.1652G>A, p.Arg551Gln (NM_001379637.1, NM_001379648.1); short protein forms R535Q, R526Q, R560Q, R551Q.
Identifiers: ClinVar variation 1425467 (VCV001425467.8), dbSNP rs2125925799, ClinGen allele CA351328255.
Genomic context (GRCh38, chr2:240,766,995, plus strand): 5'-TCGCTCCGGAAGACGCAGTGCTCCTCCTTGATGAAGTGCCCACTCAGAACAATGTCCTGC[C>T]GCCTCTCGCCATCCTCCCTGCCCACTCTGCGGGGTGGGGGCACCATCAGCACGGCAGCTG-3'
Protein context (NP_001230937.1, residues 525-545): TRVGREDGER[Arg535Gln]QDIVLSGHFI